The following is an entry in ClinVar:

NM_014855.3(AP5Z1):c.1707+1G>A

Gene: AP5Z1 (adaptor related protein complex 5 subunit zeta 1; plus strand). Cytogenetic location: 7p22.1.
Variant type: single nucleotide variant.
Coding change: c.1707+1G>A on transcript NM_014855.3 (MANE Select); the canonical splice donor site of the intron after coding-DNA position 1707, G replaced by A.
Molecular consequence: splice donor variant.
Genome position (GRCh38, 1-based): chr7:4,788,952, G>A. VCF-style: chr7-4788952-G-A. GRCh37 (hg19) VCF-style: chr7-4828583-G-A.
Other names: c.1239+1G>A (NM_001364858.1).
Identifiers: ClinVar variation 2288799 (VCV002288799.5), dbSNP rs779269348, ClinGen allele CA4137977.

ClinVar aggregate classification (germline): Likely pathogenic. Review status: criteria provided, multiple submitters, no conflicts (2 of 4 stars). 2 submissions from 2 submitters: Likely pathogenic (2). Last evaluated 2025-07-31.

Conditions:
Inborn genetic diseases. Identifiers: MedGen C0950123, MeSH D030342.
Hereditary spastic paraplegia 48. Also called: Spastic paraplegia 48; SPASTIC PARAPLEGIA 48, AUTOSOMAL RECESSIVE. Identifiers: Orphanet 306511, MedGen C3150901, MONDO:0013342, OMIM 613647.

Allele frequency attached by ClinVar (database versions not stated): gnomAD exomes below 0.00001; ExAC 0.00002.
gnomAD v4.1: 5 of 1,610,110 alleles (0.00031%); highest among the groups gnomAD compares: South Asian, 0.0044%; no homozygotes.

Submissions (2):

Labcorp Genetics (formerly Invitae), Labcorp
Classification: Likely pathogenic for Hereditary spastic paraplegia 48. Last evaluated: 2025-07-31. Review status: criteria provided, single submitter. Criteria: Invitae Variant Classification Sherloc (09022015). Collection method: clinical testing. Allele origin: germline.
Comment: This sequence change affects a donor splice site in intron 13 of the AP5Z1 gene. It is expected to disrupt RNA splicing. Variants that disrupt the donor or acceptor splice site typically lead to a loss of protein function (PMID: 16199547), and loss-of-function variants in AP5Z1 are known to be pathogenic (PMID: 20613862, 27606357). The frequency data for this variant in the population databases is considered unreliable, as metrics indicate poor data quality at this position in the gnomAD database. This variant has not been reported in the literature in individuals affected with AP5Z1-related conditions. ClinVar contains an entry for this variant (Variation ID: 2288799). Algorithms developed to predict the effect of sequence changes on RNA splicing suggest that this variant may disrupt the consensus splice site. In summary, the currently available evidence indicates that the variant is pathogenic, but additional data are needed to prove that conclusively. Therefore, this variant has been classified as Likely Pathogenic.

Ambry Genetics
Classification: Likely pathogenic for Inborn genetic diseases. Last evaluated: 2022-06-10. Review status: criteria provided, single submitter. Criteria: Ambry Variant Classification Scheme 2023. Collection method: clinical testing. Allele origin: germline.
Comment: The c.1707+1G>A intronic variant results from a G to A substitution one nucleotide after coding exon 13 of the AP5Z1 gene. Alterations that disrupt the canonical splice site are expected to cause aberrant splicing, resulting in an abnormal protein or a transcript that is subject to nonsense-mediated mRNA decay. Based on data from gnomAD, the A allele has an overall frequency of <0.01% (2/238678) total alleles studied. The highest observed frequency was <0.01% (1/30092) of South Asian alleles. This nucleotide position is well conserved in available vertebrate species. In silico splice site analysis predicts that this alteration will weaken the native splice donor site. Based on the available evidence, this alteration is classified as likely pathogenic.

Literature cited by the submitters: PubMed 16199547 (cited by Labcorp Genetics (formerly Invitae), Labcorp); PubMed 20613862 (cited by Labcorp Genetics (formerly Invitae), Labcorp); PubMed 27606357 (cited by Labcorp Genetics (formerly Invitae), Labcorp).